The following is an entry in ClinVar:

NM_002691.4(POLD1):c.1117_1119del (p.Lys373del)

Gene: POLD1 (DNA polymerase delta 1, catalytic subunit; plus strand). Cytogenetic location: 19q13.33.
Variant type: Deletion.
Coding change: c.1117_1119del on transcript NM_002691.4 (MANE Select); coding-DNA positions 1117 to 1119, 3 bases deleted (AAG; older notation c.1117_1119delAAG).
Protein change: p.Lys373del; deletes lysine 373.
Molecular consequence: inframe deletion. On other transcripts: non-coding transcript variant (1).
Genome position (GRCh38, 1-based): chr19:50,403,199-50,403,201, AAG deleted; deleting any 3 consecutive bases within chr19:50,403,197-50,403,201 gives the same sequence; the c. name uses the placement nearest the transcript's 3' end. VCF-style (leftmost placement, unchanged base first): chr19-50403196-GAGA-G. GRCh37 (hg19) VCF-style: chr19-50906453-GAGA-G.
Other names: c.1117_1119del, p.Lys373del (NM_001256849.1, NM_001308632.1); short protein forms K373del.
Identifiers: ClinVar variation 1037832 (VCV001037832.12), dbSNP rs2038730900, ClinGen allele CA2340883299.

ClinVar aggregate classification (germline): Uncertain significance. Review status: criteria provided, multiple submitters, no conflicts (2 of 4 stars). 2 submissions from 2 submitters: Uncertain significance (2). Last evaluated 2025-08-16.

Conditions:
POLD1-related polyposis and colorectal cancer syndrome (CRCS10). Also called: Colorectal cancer 10; COLORECTAL CANCER, SUSCEPTIBILITY TO, ON CHROMOSOME 19q; Colorectal cancer, susceptibility to, 10. Identifiers: Orphanet 220460, MedGen C2675481, MONDO:0012953, OMIM 612591.
Hereditary cancer-predisposing syndrome. Also called: Tumor predisposition; Hereditary Cancer Syndrome; Hereditary neoplastic syndrome; Neoplastic Syndromes, Hereditary. Identifiers: Orphanet 140162, MedGen C0027672, MeSH D009386, MONDO:0015356.

Submissions (2):

Ambry Genetics
Classification: Uncertain significance for Hereditary cancer-predisposing syndrome. Last evaluated: 2025-08-16. Review status: criteria provided, single submitter. Criteria: Ambry Variant Classification Scheme 2023. Collection method: clinical testing. Allele origin: germline.
Comment: The c.1117_1119delAAG variant (also known as p.K373del) is located in coding exon 8 of the POLD1 gene. This variant results from an in-frame AAG deletion at nucleotide positions 1117 to 1119. This results in the in-frame deletion of a lysine at codon 373. This amino acid position is poorly conserved in available vertebrate species. In addition, this alteration is predicted to be deleterious by in silico analysis (Choi Y et al. PLoS ONE. 2012; 7(10):e46688). Based on the available evidence, the clinical significance of this variant remains unclear.

Labcorp Genetics (formerly Invitae), Labcorp
Classification: Uncertain significance for POLD1-related polyposis and colorectal cancer syndrome. Last evaluated: 2025-03-02. Review status: criteria provided, single submitter. Criteria: Invitae Variant Classification Sherloc (09022015). Collection method: clinical testing. Allele origin: germline.
Comment: This variant, c.1117_1119del, results in the deletion of 1 amino acid(s) of the POLD1 protein (p.Lys373del), but otherwise preserves the integrity of the reading frame. This variant is not present in population databases (gnomAD no frequency). This variant has not been reported in the literature in individuals affected with POLD1-related conditions. ClinVar contains an entry for this variant (Variation ID: 1037832). Experimental studies and prediction algorithms are not available or were not evaluated, and the functional significance of this variant is currently unknown. In summary, the available evidence is currently insufficient to determine the role of this variant in disease. Therefore, it has been classified as a Variant of Uncertain Significance.